The following is an entry in ClinVar:

ClinVar aggregate classification (germline): Conflicting classifications of pathogenicity. Review status: criteria provided, conflicting classifications (1 of 4 stars). 5 submissions from 5 submitters: Uncertain significance (4); Likely benign (1). Last evaluated 2025-12-17.

Conditions:
Acrocallosal syndrome (ACLS). Also called: HALLUX DUPLICATION, POSTAXIAL POLYDACTYLY, AND ABSENCE OF CORPUS CALLOSUM; Schinzel syndrome 1; Absence of corpus callosum with unusual facial appearance, mental deficiency, duplication of the halluces and polydactyly. Identifiers: Orphanet 36, MedGen C0796147, MONDO:0008708, OMIM 200990.
Multiple epiphyseal dysplasia, Al-Gazali type. Also called: Macrocephaly with multiple epiphyseal dysplasia and distinctive facies. Identifiers: Orphanet 166024, MedGen C1846722, MONDO:0011778, OMIM 607131.
Hydrolethalus syndrome 2 (HLS2). Identifiers: Orphanet 2189, MedGen C3279899, MONDO:0013585, OMIM 614120.

Allele frequency attached by ClinVar (database versions not stated): TOPMed 0.00014; ESP Exome Variant Server 0.00015.
gnomAD v4.1: 262 of 1,603,538 alleles (0.016%); highest among the groups gnomAD compares: Non-Finnish European, 0.022%; no homozygotes.

Submissions (5):

Labcorp Genetics (formerly Invitae), Labcorp
Classification: Likely benign for Acrocallosal syndrome. Last evaluated: 2025-12-17. Review status: criteria provided, single submitter. Criteria: Invitae Variant Classification Sherloc (09022015). Collection method: clinical testing. Allele origin: germline.

Blueprint Genetics
Classification: Uncertain significance. Last evaluated: 2024-11-27. Review status: criteria provided, single submitter. Criteria: ACMG Guidelines, 2015. Collection method: clinical testing. Allele origin: germline.

GeneDx
Classification: Uncertain significance. Last evaluated: 2024-06-10. Review status: criteria provided, single submitter. Criteria: GeneDx Variant Classification Process June 2021. Collection method: clinical testing. Allele origin: germline. Affected: yes.
Comment: In silico analysis is inconclusive as to whether the variant alters gene splicing. In the absence of RNA/functional studies, the actual effect of this sequence change is unknown.; Has not been previously published as pathogenic or benign to our knowledge

Fulgent Genetics
Classification: Uncertain significance for Acrocallosal syndrome; Multiple epiphyseal dysplasia, Al-Gazali type; Hydrolethalus syndrome 2. Last evaluated: 2024-04-10. Review status: criteria provided, single submitter. Criteria: ACMG Guidelines, 2015. Collection method: clinical testing. Allele origin: germline.

Illumina Laboratory Services, Illumina
Classification: Uncertain significance for Acrocallosal syndrome. Last evaluated: 2018-01-13. Review status: criteria provided, single submitter. Criteria: ICSL Variant Classification Criteria 13 December 2019. Collection method: clinical testing. Allele origin: germline.

NM_198525.3(KIF7):c.3319-13G>A

Genes: KIF7 (kinesin family member 7; minus strand), LOC126862216 (BRD4-independent group 4 enhancer GRCh37_chr15:90171995-90173194; plus strand). Cytogenetic location: 15q26.1.
Variant type: single nucleotide variant.
Coding change: c.3319-13G>A on transcript NM_198525.3 (MANE Select); 13 bases into the intron before coding-DNA position 3319, G replaced by A.
Molecular consequence: intron variant.
Genome position (GRCh38, 1-based): chr15:89,629,586, C>T on the plus strand (G>A on the coding strand, the complement: KIF7 is on the minus strand). VCF-style: chr15-89629586-C-T. GRCh37 (hg19) VCF-style: chr15-90172817-C-T.
Identifiers: ClinVar variation 886147 (VCV000886147.14), dbSNP rs371154050, ClinGen allele CA7727742.
Genomic context (GRCh38, chr15:89,629,586, plus strand): 5'-CGAGAAGGCAATCTGCTGCTGGTGCTGCTCCTCTCGGAGCGTCACCACCTGTCCCAAGAC[C>T]CAGCCAGGCTCAGCCCTCATCATGACCCCTCTTCATCCAGCTAATCCTCAATCACAGACA-3'